The following is an entry in ClinVar:

ClinVar aggregate classification (germline): Conflicting classifications of pathogenicity. Review status: criteria provided, conflicting classifications (1 of 4 stars). 3 submissions from 3 submitters: Likely pathogenic (2); Uncertain significance (1). Last evaluated 2020-03-25.

Conditions:
COL4A1-related disorder. Also called: COL4A1-related disorders; COL4A1-related condition. Identifiers: MedGen CN376119, MONDO:0800461.
Brain small vessel disease 1 with or without ocular anomalies (BSVD1). Also called: Brain small vessel disease with or without ocular anomalies; GOULD SYNDROME 1; PORENCEPHALY, TYPE 1, AUTOSOMAL DOMINANT; BRAIN SMALL VESSEL DISEASE WITH HEMORRHAGE. Identifiers: Orphanet 2940, Orphanet 36383, Orphanet 99810, MedGen C4755307, MONDO:0008289, OMIM 175780.
Autosomal dominant familial hematuria-retinal arteriolar tortuosity-contractures syndrome. Also called: Angiopathy, hereditary, with nephropathy, aneurysms, and muscle cramps; Hereditary Angiopathy with Nephropathy, Aneurysms, and Muscle Cramps (HANAC) Syndrome. Identifiers: Orphanet 73229, MedGen C2673195, MONDO:0012726, OMIM 611773.
Hemorrhage, intracerebral, susceptibility to (ICH). Also called: Stroke, hemorrhagic, susceptibility to. Identifiers: MedGen C3281105, MONDO:0100533, OMIM 614519.
Retinal arterial tortuosity. Also called: Retinal arteries, tortuosity of; RETINAL HEMORRHAGE WITH VASCULAR TORTUOSITY. Identifiers: Orphanet 75326, MedGen C0423401, MONDO:0008373, OMIM 180000, HP:0000631.
Microangiopathy and leukoencephalopathy, pontine, autosomal dominant. Also called: DEMENTIA, HEREDITARY MULTI-INFARCT, SWEDISH TYPE; Pontine autosomal dominant microangiopathy with leukoencephalopathy. Identifiers: Orphanet 477749, MedGen C5231411, MONDO:0032814, OMIM 618564.

Submissions (3):

Blueprint Genetics
Classification: Likely pathogenic for COL4A1-related disorders. Last evaluated: 2020-03-25. Review status: criteria provided, single submitter. Criteria: ACMG Guidelines, 2015. Collection method: clinical testing. Allele origin: de novo. Affected: yes. Observed: 1 variant allele.

Juno Genomics, Hangzhou Juno Genomics, Inc
Classification: Uncertain significance for Retinal arterial tortuosity; Autosomal dominant familial hematuria-retinal arteriolar tortuosity-contractures syndrome; Brain small vessel disease 1 with or without ocular anomalies; Microangiopathy and leukoencephalopathy, pontine, autosomal dominant; Hemorrhage, intracerebral, susceptibility to. Review status: criteria provided, single submitter. Criteria: ACMG Guidelines, 2015. Collection method: clinical testing. Allele origin: germline. Affected: yes.
Comment: Absent from controls (or at extremely low frequency if recessive) in Genome Aggregation Database, Exome Sequencing Project, 1000 Genomes Project, or Exome Aggregation Consortium.;Multiple lines of computational evidence support a deleterious effect on the gene or gene product (conservation, evolutionary, splicing impact, etc).;Patient's phenotype or family history is highly specific for a disease with a single genetic etiology.;De novo (both maternity and paternity confirmed) in a patient with the disease and no family history.

Laboratoire de Génétique Moléculaire, CHU Bordeaux
Classification: Likely pathogenic for Brain small vessel disease 1 with or without ocular anomalies. Review status: criteria provided, single submitter. Criteria: ACMG Guidelines, 2015. Collection method: clinical testing. Allele origin: germline. Affected: yes.

NM_001845.6(COL4A1):c.3665G>A (p.Gly1222Glu)

Gene: COL4A1 (collagen type IV alpha 1 chain; minus strand). Cytogenetic location: 13q34.
Variant type: single nucleotide variant.
Coding change: c.3665G>A on transcript NM_001845.6 (MANE Select); coding-DNA position 3665, G replaced by A.
Protein change: p.Gly1222Glu; replaces glycine 1222 with glutamic acid.
Molecular consequence: missense variant.
Genome position (GRCh38, 1-based): chr13:110,170,624, C>T on the plus strand (G>A on the coding strand, the complement: COL4A1 is on the minus strand). VCF-style: chr13-110170624-C-T. GRCh37 (hg19) VCF-style: chr13-110822971-C-T.
Other names: short protein forms G1222E.
Identifiers: ClinVar variation 3382803 (VCV003382803.4).
Genomic context (GRCh38, chr13:110,170,624, plus strand): 5'-CCCTGAGGTCCGCGGTCTCCTTTGGGCCCCTCCGTGGCATGGCCTGGGGATCCCGGTAAC[C>T]CCGGCTGTCCCTGGGGCCCCGGAGGACCCATGAATCCTTGCTCTCCTTTGGATCCAGGAA-3'
Protein context (NP_001836.3, residues 1212-1232): MGPPGPQGQP[Gly1222Glu]LPGSPGHATE